The following is an entry in ClinVar:

ClinVar aggregate classification (germline): Conflicting classifications of pathogenicity. Review status: criteria provided, conflicting classifications (1 of 4 stars). 4 submissions from 4 submitters: Uncertain significance (1); Benign (1); Likely benign (2). Last evaluated 2025-11-08.

Conditions:
Deficiency of malonyl-CoA decarboxylase. Also called: Malonic aciduria; MCD deficiency. Identifiers: Orphanet 943, MedGen C0342793, MONDO:0009556, OMIM 248360.

Allele frequency attached by ClinVar (database versions not stated): 1000 Genomes Project 30x 0.00016; 1000 Genomes Project 0.00020; TOPMed 0.00034; gnomAD 0.00043; ESP Exome Variant Server 0.00090.
gnomAD v4.1: 867 of 1,614,214 alleles (0.054%); highest among the groups gnomAD compares: South Asian, 0.11%; 4 homozygotes.

Submissions (4):

Labcorp Genetics (formerly Invitae), Labcorp
Classification: Benign for Deficiency of malonyl-CoA decarboxylase. Last evaluated: 2025-11-08. Review status: criteria provided, single submitter. Criteria: Invitae Variant Classification Sherloc (09022015). Collection method: clinical testing. Allele origin: germline.

Blueprint Genetics
Classification: Likely benign. Last evaluated: 2024-11-23. Review status: criteria provided, single submitter. Criteria: ACMG Guidelines, 2015. Collection method: clinical testing. Allele origin: germline.

Illumina Laboratory Services, Illumina
Classification: Uncertain significance for Deficiency of malonyl-CoA decarboxylase. Last evaluated: 2018-01-13. Review status: criteria provided, single submitter. Criteria: ICSL Variant Classification Criteria 13 December 2019. Collection method: clinical testing. Allele origin: germline.

GeneDx
Classification: Likely benign. Last evaluated: 2017-01-30. Review status: criteria provided, single submitter. Criteria: GeneDx Variant Classification (06012015). Collection method: clinical testing. Allele origin: germline. Affected: yes.
Comment: This variant is considered likely benign or benign based on one or more of the following criteria: it is a conservative change, it occurs at a poorly conserved position in the protein, it is predicted to be benign by multiple in silico algorithms, and/or has population frequency not consistent with disease.

NM_012213.3(MLYCD):c.1074G>A (p.Ser358=)

Gene: MLYCD (malonyl-CoA decarboxylase; plus strand). Cytogenetic location: 16q23.3.
Variant type: single nucleotide variant.
Coding change: c.1074G>A on transcript NM_012213.3 (MANE Select); coding-DNA position 1074, G replaced by A.
Protein change: p.Ser358=; no amino-acid change (serine 358 retained).
Molecular consequence: synonymous variant.
Genome position (GRCh38, 1-based): chr16:83,915,081, G>A. VCF-style: chr16-83915081-G-A. GRCh37 (hg19) VCF-style: chr16-83948686-G-A.
Identifiers: ClinVar variation 382102 (VCV000382102.17), dbSNP rs377161125, ClinGen allele CA8197498.
Genomic context (GRCh38, chr16:83,915,081, plus strand): 5'-TCTGGGGCTTCTGAACTCGCAAACGAAGGAGCATGGGAGGAATGAACTCTTTACAGATTC[G>A]GAATGTAAGGAAATCTCGGAGATCACAGGTGGCCCCATTAACGAGACCCTCAAGCTCCTC-3'
Protein context (NP_036345.2, residues 348-368): EHGRNELFTD[Ser358=]ECKEISEITG